The following is an entry in ClinVar:

NM_006904.7(PRKDC):c.9922+5G>A

Gene: PRKDC (protein kinase, DNA-activated, catalytic subunit; minus strand). Cytogenetic location: 8q11.21.
Variant type: single nucleotide variant.
Coding change: c.9922+5G>A on transcript NM_006904.7 (MANE Select); 5 bases into the intron after coding-DNA position 9922, G replaced by A.
Molecular consequence: intron variant.
Genome position (GRCh38, 1-based): chr8:47,803,301, C>T on the plus strand (G>A on the coding strand, the complement: PRKDC is on the minus strand). VCF-style: chr8-47803301-C-T. GRCh37 (hg19) VCF-style: chr8-48715862-C-T.
Other names: c.9922+5G>A (NM_001081640.2).
Identifiers: ClinVar variation 1494385 (VCV001494385.5), dbSNP rs985025711, ClinGen allele CA176146502.
Genomic context (GRCh38, chr8:47,803,301, plus strand): 5'-GAAGATACACAAGACAATATAACACAGCCCTTTAAGATATAAGTGGATAAAAGCGGTCAA[C>T]TTACCCAACAAAGAGACTGTTTTCAGCACAGTGAGCACCTGCTCAGAGCAGCCCTGGGAC-3'

ClinVar aggregate classification (germline): Uncertain significance (1 of 4 stars; one submission).

Conditions:
Severe combined immunodeficiency due to DNA-PKcs deficiency. Also called: IMMUNODEFICIENCY 26 WITH NEUROLOGIC ABNORMALITIES; Immunodeficiency 26 with or without neurologic abnormalities. Identifiers: Orphanet 317425, MedGen C4014833, MONDO:0014423, OMIM 615966.

Allele frequency attached by ClinVar (database versions not stated): gnomAD 0.00001; TOPMed 0.00002.
gnomAD v4.1: 4 of 1,602,348 alleles (0.00025%); highest among the groups gnomAD compares: Non-Finnish European, 0.00034%; no homozygotes.

Submission:

Labcorp Genetics (formerly Invitae), Labcorp
Classification: Uncertain significance for Severe combined immunodeficiency due to DNA-PKcs deficiency. Last evaluated: 2021-10-15. Review status: criteria provided, single submitter. Criteria: Invitae Variant Classification Sherloc (09022015). Collection method: clinical testing. Allele origin: germline.
Comment: In summary, the available evidence is currently insufficient to determine the role of this variant in disease. Therefore, it has been classified as a Variant of Uncertain Significance. Nucleotide substitutions within the consensus splice site are a relatively common cause of aberrant splicing (PMID: 17576681, 9536098). Experimental studies and prediction algorithms are not available or were not evaluated, and the effect of this variant on mRNA splicing is currently unknown. This variant has not been reported in the literature in individuals with PRKDC-related conditions. This variant is not present in population databases (ExAC no frequency). This sequence change falls in intron 70 of the PRKDC gene. It does not directly change the encoded amino acid sequence of the PRKDC protein. It affects a nucleotide within the consensus splice site of the intron.

Literature cited by the submitters: PubMed 17576681; PubMed 9536098.